The following is an entry in ClinVar:

ClinVar aggregate classification (germline): Uncertain significance (1 of 4 stars; one submission).

Conditions:
Jeune thoracic dystrophy. Also called: Jeune syndrome; Infantile thoracic dystrophy; Thoracic pelvic phalangeal dystrophy; Jeune's syndrome; Chondroectodermal dysplasia-like syndrome; Short-rib thoracic dysplasia. Identifiers: Orphanet 474, MedGen C0265275, MONDO:0018770.

Submission:

Labcorp Genetics (formerly Invitae), Labcorp
Classification: Uncertain significance for Jeune thoracic dystrophy. Last evaluated: 2022-03-08. Review status: criteria provided, single submitter. Criteria: Invitae Variant Classification Sherloc (09022015). Collection method: clinical testing. Allele origin: germline.
Comment: This variant is not present in population databases (gnomAD no frequency). This sequence change replaces proline, which is neutral and non-polar, with serine, which is neutral and polar, at codon 467 of the DYNC2H1 protein (p.Pro467Ser). This variant has not been reported in the literature in individuals affected with DYNC2H1-related conditions. Advanced modeling of protein sequence and biophysical properties (such as structural, functional, and spatial information, amino acid conservation, physicochemical variation, residue mobility, and thermodynamic stability) performed at Invitae indicates that this missense variant is not expected to disrupt DYNC2H1 protein function. In summary, the available evidence is currently insufficient to determine the role of this variant in disease. Therefore, it has been classified as a Variant of Uncertain Significance.

NM_001377.3(DYNC2H1):c.1399C>T (p.Pro467Ser)

Gene: DYNC2H1 (dynein cytoplasmic 2 heavy chain 1; plus strand). Cytogenetic location: 11q22.3.
Variant type: single nucleotide variant.
Coding change: c.1399C>T on transcript NM_001377.3 (MANE Select); coding-DNA position 1399, C replaced by T.
Protein change: p.Pro467Ser; replaces proline 467 with serine.
Molecular consequence: missense variant.
Genome position (GRCh38, 1-based): chr11:103,121,410, C>T. VCF-style: chr11-103121410-C-T. GRCh37 (hg19) VCF-style: chr11-102992139-C-T.
Other names: c.1399C>T, p.Pro467Ser (NM_001080463.2); short protein forms P467S.
Identifiers: ClinVar variation 1387524 (VCV001387524.5), dbSNP rs1858702281, ClinGen allele CA382251899.